The following is an entry in ClinVar:

NM_001282717.2(STAG3):c.337-2A>C

Gene: STAG3 (STAG3 cohesin complex component; plus strand). Cytogenetic location: 7q22.1.
Variant type: single nucleotide variant.
Coding change: c.337-2A>C on transcript NM_001282717.2 (MANE Select); the canonical splice acceptor site of the intron before coding-DNA position 337, A replaced by C.
Molecular consequence: splice acceptor variant. On other transcripts: intron variant (1).
Genome position (GRCh38, 1-based): chr7:100,186,198, A>C. VCF-style: chr7-100186198-A-C. GRCh37 (hg19) VCF-style: chr7-99783821-A-C.
Other names: c.337-2A>C (NM_001282716.1, NM_012447.4, NM_001375438.1); c.337-2614A>C (NM_001282718.2).
Identifiers: ClinVar variation 451295 (VCV000451295.2), dbSNP rs1296715259, ClinGen allele CA368484769.
Genomic context (GRCh38, chr7:100,186,198, plus strand): 5'-TATAGGATTTCTATTCTGTCATATTGCCAGAAACAGAAGTCATCTACATTTTTTTTCCCT[A>C]GTCTTTGGTAGATGAGTGGCTGGATAGCTACAAGCAAGACCAGGATGCAGGATTTCTGGA-3'

ClinVar aggregate classification (germline): Likely pathogenic (1 of 4 stars; one submission).

Submission:

GeneDx
Classification: Likely pathogenic. Last evaluated: 2017-08-18. Review status: criteria provided, single submitter. Criteria: GeneDx Variant Classification (06012015). Collection method: clinical testing. Allele origin: germline. Affected: yes.
Comment: The c.1065+1G>C variant in the STAG3 gene has not been reported previously as a pathogenic variant nor as a benign variant, to our knowledge. This splice site variant destroys the canonical splice acceptor site in intron 4. It is predicted to cause abnormal gene splicing, either leading to an abnormal message that is subject to nonsense-mediated mRNA decay, or to an abnormal protein product if the message is used for protein translation. The c.1065+1G>C variant is not observed in large population cohorts (Lek et al., 2016; 1000 Genomes Consortium et al., 2015; Exome Variant Server). We interpret c.1065+1G>C as a likely pathogenic variant.